The following is an entry in ClinVar:

NM_006514.4(SCN10A):c.2594T>C (p.Ile865Thr)

Gene: SCN10A (sodium voltage-gated channel alpha subunit 10; minus strand). Cytogenetic location: 3p22.2.
Variant type: single nucleotide variant.
Coding change: c.2594T>C on transcript NM_006514.4 (MANE Select); coding-DNA position 2594, T replaced by C.
Protein change: p.Ile865Thr; replaces isoleucine 865 with threonine.
Molecular consequence: missense variant.
Genome position (GRCh38, 1-based): chr3:38,728,588, A>G on the plus strand (T>C on the coding strand, the complement: SCN10A is on the minus strand). VCF-style: chr3-38728588-A-G. GRCh37 (hg19) VCF-style: chr3-38770079-A-G.
Other names: c.2594T>C, p.Ile865Thr (NM_001293306.2); c.2300T>C, p.Ile767Thr (NM_001293307.2); short protein forms I767T, I865T.
Identifiers: ClinVar variation 2563699 (VCV002563699.2), dbSNP rs2470678890, ClinGen allele CA352160129.

ClinVar aggregate classification (germline): Uncertain significance (1 of 4 stars; one submission).

Conditions:
Cardiovascular phenotype. Identifiers: MedGen CN230736.

Submission:

Ambry Genetics
Classification: Uncertain significance for Cardiovascular phenotype. Last evaluated: 2023-03-24. Review status: criteria provided, single submitter. Criteria: Ambry Variant Classification Scheme 2023. Collection method: clinical testing. Allele origin: germline.
Comment: The p.I865T variant (also known as c.2594T>C), located in coding exon 15 of the SCN10A gene, results from a T to C substitution at nucleotide position 2594. The isoleucine at codon 865 is replaced by threonine, an amino acid with similar properties. This amino acid position is conserved. In addition, the in silico prediction for this alteration is inconclusive. Since supporting evidence is limited at this time, the clinical significance of this alteration remains unclear.